The following is an entry in ClinVar:

NM_001035.3(RYR2):c.4703C>T (p.Ala1568Val)

Gene: RYR2 (ryanodine receptor 2; plus strand). Cytogenetic location: 1q43.
Variant type: single nucleotide variant.
Coding change: c.4703C>T on transcript NM_001035.3 (MANE Select); coding-DNA position 4703, C replaced by T.
Protein change: p.Ala1568Val; replaces alanine 1568 with valine.
Molecular consequence: missense variant.
Genome position (GRCh38, 1-based): chr1:237,610,781, C>T. VCF-style: chr1-237610781-C-T. GRCh37 (hg19) VCF-style: chr1-237774081-C-T.
Other names: short protein forms A1568V.
Identifiers: ClinVar variation 876354 (VCV000876354.12), dbSNP rs955021407, ClinGen allele CA345402239.
Genomic context (GRCh38, chr1:237,610,781, plus strand): 5'-ATGTTCTACATTTATTCTTTTTCTGCCTCCCCATCCGCTAGAATGTGATGCCTCTCTCGG[C>T]GGGATTATTCAAGAGTGAGCACAAGAACCCCGTGCCGCAGTGCCCCCCGCGCCTCCACGT-3'
Protein context (NP_001026.2, residues 1558-1578): GRIKNVMPLS[Ala1568Val]GLFKSEHKNP

ClinVar aggregate classification (germline): Uncertain significance. Review status: criteria provided, multiple submitters, no conflicts (2 of 4 stars). 8 submissions from 7 submitters: Uncertain significance (8). Last evaluated 2025-08-04.

Conditions:
Catecholaminergic polymorphic ventricular tachycardia (CVPT). Also called: Catecholamine-induced polymorphic ventricular tachycardia. Identifiers: Orphanet 3286, MedGen C5574922, MONDO:0017990.
Arrhythmogenic right ventricular dysplasia 2. Identifiers: MedGen C1832931.
Catecholaminergic polymorphic ventricular tachycardia 1. Also called: RYR2-Related Catecholaminergic Polymorphic Ventricular Tachycardia; VENTRICULAR TACHYCARDIA, CATECHOLAMINERGIC POLYMORPHIC, 1, WITH OR WITHOUT ATRIAL DYSFUNCTION AND/OR DILATED CARDIOMYOPATHY; VENTRICULAR TACHYCARDIA, STRESS-INDUCED POLYMORPHIC 1. Identifiers: Orphanet 3286, MedGen C1631597, MONDO:0011484, OMIM 604772.
Ventricular arrhythmias due to cardiac ryanodine receptor calcium release deficiency syndrome. Also called: Autosomal dominant cardiac arrhythmia (Kuhn). Identifiers: MedGen C5542154, MONDO:0020745, OMIM 115000.
Cardiovascular phenotype. Identifiers: MedGen CN230736.
Cardiomyopathy (CMYO). Also called: Cardiomyopathies. Identifiers: Orphanet 167848, MedGen C0878544, MONDO:0004994, HP:0001638. Inheritance: Various modes of inheritance.

Allele frequency attached by ClinVar (database versions not stated): gnomAD exomes below 0.00001; TOPMed 0.00002.
gnomAD v4.1: 3 of 1,605,736 alleles (0.00019%); highest among the groups gnomAD compares: African/African-American, 0.0013%; no homozygotes.

Submissions (8):

Color Diagnostics, LLC DBA Color Health
Classification: Uncertain significance for Cardiomyopathy. Last evaluated: 2025-08-04. Review status: criteria provided, single submitter. Criteria: ACMG Guidelines, 2015. Collection method: clinical testing. Allele origin: germline.
Comment: This missense variant replaces alanine with valine at codon 1568 of the RYR2 protein. Computational prediction suggests that this variant may have deleterious impact on protein structure and function. To our knowledge, functional studies have not been reported for this variant. This variant has not been reported in individuals affected with RYR2-related disorders in the literature. This variant has not been identified in the general population by the Genome Aggregation Database (gnomAD). The available evidence is insufficient to determine the role of this variant in disease conclusively. Therefore, this variant is classified as a Variant of Uncertain Significance.

GeneDx
Classification: Uncertain significance. Last evaluated: 2025-06-10. Review status: criteria provided, single submitter. Criteria: GeneDx Variant Classification Process June 2021. Collection method: clinical testing. Allele origin: germline. Affected: yes.
Comment: Not observed at significant frequency in large population cohorts (gnomAD); In silico analysis supports that this missense variant has a deleterious effect on protein structure/function; Has not been previously published as pathogenic or benign to our knowledge; Not located in one of the three hot-spot regions of the RYR2 gene, where the majority of pathogenic missense variants occur (PMID: 19926015); This variant is associated with the following publications: (PMID: 19926015)

Ambry Genetics
Classification: Uncertain significance for Cardiovascular phenotype. Last evaluated: 2024-05-02. Review status: criteria provided, single submitter. Criteria: Ambry Variant Classification Scheme 2023. Collection method: clinical testing. Allele origin: germline.
Comment: The p.A1568V variant (also known as c.4703C>T), located in coding exon 36 of the RYR2 gene, results from a C to T substitution at nucleotide position 4703. The alanine at codon 1568 is replaced by valine, an amino acid with similar properties. This amino acid position is highly conserved in available vertebrate species. In addition, this alteration is predicted to be deleterious by in silico analysis. Since supporting evidence is limited at this time, the clinical significance of this alteration remains unclear.

All of Us Research Program, National Institutes of Health
Classification: Uncertain significance for Catecholaminergic polymorphic ventricular tachycardia. Last evaluated: 2023-06-26. Review status: criteria provided, single submitter. Criteria: ACMG Guidelines, 2015. Collection method: clinical testing. Allele origin: germline. Inheritance: Autosomal dominant inheritance. Observed: 1 variant allele, 1 heterozygote.
Comment: This missense variant replaces alanine with valine at codon 1568 of the RYR2 protein. Computational prediction suggests that this variant may have deleterious impact on protein structure and function (internally defined REVEL score threshold >= 0.7, PMID: 27666373). To our knowledge, functional studies have not been reported for this variant. This variant has not been reported in individuals affected with RYR2-related disorders in the literature. This variant has not been identified in the general population by the Genome Aggregation Database (gnomAD). The available evidence is insufficient to determine the role of this variant in disease conclusively. Therefore, this variant is classified as a Variant of Uncertain Significance.

This study involves interpretation of variants in research participants for the purpose of population health screening. Participant phenotype was not available at the time of variant classification. Additional details can be found in publication PMID: 35346344, PMCID: PMC8962531

Labcorp Genetics (formerly Invitae), Labcorp
Classification: Uncertain significance for Catecholaminergic polymorphic ventricular tachycardia 1. Last evaluated: 2022-06-30. Review status: criteria provided, single submitter. Criteria: Invitae Variant Classification Sherloc (09022015). Collection method: clinical testing. Allele origin: germline.
Comment: This sequence change replaces alanine, which is neutral and non-polar, with valine, which is neutral and non-polar, at codon 1568 of the RYR2 protein (p.Ala1568Val). This variant is not present in population databases (gnomAD no frequency). This variant has not been reported in the literature in individuals affected with RYR2-related conditions. ClinVar contains an entry for this variant (Variation ID: 876354). Advanced modeling of protein sequence and biophysical properties (such as structural, functional, and spatial information, amino acid conservation, physicochemical variation, residue mobility, and thermodynamic stability) performed at Invitae indicates that this missense variant is expected to disrupt RYR2 protein function. In summary, the available evidence is currently insufficient to determine the role of this variant in disease. Therefore, it has been classified as a Variant of Uncertain Significance.

Fulgent Genetics
Classification: Uncertain significance for Ventricular arrhythmias due to cardiac ryanodine receptor calcium release deficiency syndrome; Catecholaminergic polymorphic ventricular tachycardia 1. Last evaluated: 2021-07-08. Review status: criteria provided, single submitter. Criteria: ACMG Guidelines, 2015. Collection method: clinical testing. Allele origin: unknown.

Illumina Laboratory Services, Illumina
Classification: Uncertain significance for Catecholaminergic polymorphic ventricular tachycardia 1. Last evaluated: 2018-01-12. Review status: criteria provided, single submitter. Criteria: ICSL Variant Classification Criteria 13 December 2019. Collection method: clinical testing. Allele origin: germline.

Illumina Laboratory Services, Illumina
Classification: Uncertain significance for Catecholaminergic polymorphic ventricular tachycardia 1. Last evaluated: 2018-01-12. Review status: criteria provided, single submitter. Criteria: ICSL Variant Classification Criteria 13 December 2019. Collection method: clinical testing. Allele origin: germline.